The following is an entry in ClinVar:

NM_007294.4(BRCA1):c.4084G>C (p.Asp1362His)

Genes: BRCA1 (BRCA1 DNA repair associated; minus strand), LOC126862571 (BRD4-independent group 4 enhancer GRCh37_chr17:41243136-41244335; plus strand). Cytogenetic location: 17q21.31.
Variant type: single nucleotide variant.
Coding change: c.4084G>C on transcript NM_007294.4 (MANE Select); coding-DNA position 4084, G replaced by C.
Protein change: p.Asp1362His; replaces aspartic acid 1362 with histidine.
Molecular consequence: missense variant. On other transcripts: intron variant (135).
Genome position (GRCh38, 1-based): chr17:43,091,447, C>G on the plus strand (G>C on the coding strand, the complement: BRCA1 is on the minus strand). VCF-style: chr17-43091447-C-G. GRCh37 (hg19) VCF-style: chr17-41243464-C-G.
Other names: c.3820G>C, p.Asp1274His (NM_001407926.1, NM_001407927.1, NM_001407928.1 and 9 more transcripts); c.3817G>C, p.Asp1273His (NM_001407930.1, NM_001407931.1, NM_001407932.1 and 2 more transcripts); c.3961G>C, p.Asp1321His (NM_001407937.1, NM_001407938.1, NM_001407939.1 and 19 more transcripts); c.3958G>C, p.Asp1320His (NM_001407940.1, NM_001407941.1, NM_001407649.1 and 11 more transcripts); c.3943G>C, p.Asp1315His (NM_001407942.1, NM_001407944.1, NM_001407945.1 and 29 more transcripts); c.3940G>C, p.Asp1314His (NM_001407943.1, NM_001407964.1, NM_001407740.1 and 20 more transcripts); c.3751G>C, p.Asp1251His (NM_001407946.1, NM_001407947.1, NM_001407948.1 and 6 more transcripts); c.1480G>C, p.Asp494His (NM_001407968.1, NM_001407969.1); and 41 more; short protein forms D1362H, D1315H, D1066H, D1194H, D1321H, D1335H, D494H, D1292H.
Identifiers: ClinVar variation 1463398 (VCV001463398.10), dbSNP rs775463394, ClinGen allele CA10593791.

ClinVar aggregate classification (germline): Conflicting classifications of pathogenicity. Review status: criteria provided, conflicting classifications (1 of 4 stars). 3 submissions from 3 submitters: Uncertain significance (2); Likely benign (1). Last evaluated 2024-05-20.

Conditions:
Hereditary breast ovarian cancer syndrome. Also called: Hereditary breast and ovarian cancer; Breast and ovarian cancer; BRCA1- and BRCA2-Associated Hereditary Breast and Ovarian Cancer; Hereditary breast and/or ovarian cancer syndrome; Hereditary breast and ovarian cancer syndrome; Hereditary breast and ovarian cancer syndrome (HBOC). Identifiers: Orphanet 145, MedGen C0677776, MeSH D061325, MONDO:0003582. Disease mechanism: loss of function.
Hereditary cancer-predisposing syndrome. Also called: Tumor predisposition; Hereditary neoplastic syndrome; Hereditary Cancer Syndrome; Neoplastic Syndromes, Hereditary. Identifiers: Orphanet 140162, MedGen C0027672, MeSH D009386, MONDO:0015356.

Submissions (3):

Labcorp Genetics (formerly Invitae), Labcorp
Classification: Uncertain significance for Hereditary breast ovarian cancer syndrome. Last evaluated: 2024-05-20. Review status: criteria provided, single submitter. Criteria: Invitae Variant Classification Sherloc (09022015). Collection method: clinical testing. Allele origin: germline.
Comment: This sequence change replaces aspartic acid, which is acidic and polar, with histidine, which is basic and polar, at codon 1362 of the BRCA1 protein (p.Asp1362His). This variant is not present in population databases (gnomAD no frequency). This variant has not been reported in the literature in individuals affected with BRCA1-related conditions. ClinVar contains an entry for this variant (Variation ID: 1463398). Advanced modeling of protein sequence and biophysical properties (such as structural, functional, and spatial information, amino acid conservation, physicochemical variation, residue mobility, and thermodynamic stability) performed at Invitae indicates that this missense variant is not expected to disrupt BRCA1 protein function with a negative predictive value of 95%. In summary, the available evidence is currently insufficient to determine the role of this variant in disease. Therefore, it has been classified as a Variant of Uncertain Significance.

Quest Diagnostics Nichols Institute San Juan Capistrano
Classification: Uncertain significance. Last evaluated: 2023-06-29. Review status: criteria provided, single submitter. Criteria: Quest Diagnostics criteria. Collection method: clinical testing. Allele origin: unknown.
Comment: In the published literature, this variant has been reported in a tumor sample of an individual with lung cancer (PMID: 31645765 (2019)). This variant is located in a region of the BRCA1 gene that is tolerant to missense sequence changes (PMID: 31911673 (2020)). This variant has not been reported in large, multi-ethnic general populations (Genome Aggregation Database). Analysis of this variant using bioinformatics tools for the prediction of the effect of amino acid changes on protein structure and function yielded conflicting predictions that this variant is benign or damaging. Based on the available information, we are unable to determine the clinical significance of this variant.

University of Washington Department of Laboratory Medicine, University of Washington
Classification: Likely benign for Hereditary cancer-predisposing syndrome. Last evaluated: 2023-03-23. Review status: criteria provided, single submitter. Criteria: Dines et al. (Genet Med. 2020). Collection method: curation. Allele origin: germline.
Comment: Missense variant in a coldspot region where missense variants are very unlikely to be pathogenic (PMID:31911673).

BRCA1 coldspot (exon 11 using historical exon numbering). Reclassification based on statistical prior probability

Literature cited by the submitters: PubMed 31645765 (cited by Quest Diagnostics Nichols Institute San Juan Capistrano); PubMed 32377563 (cited by Quest Diagnostics Nichols Institute San Juan Capistrano); PubMed 31911673 (cited by Quest Diagnostics Nichols Institute San Juan Capistrano); PubMed 29884841 (cited by Quest Diagnostics Nichols Institute San Juan Capistrano).